The following is an entry in ClinVar:

NM_032638.5(GATA2):c.75C>G (p.His25Gln)

Gene: GATA2 (GATA binding protein 2; minus strand). Cytogenetic location: 3q21.3.
Variant type: single nucleotide variant.
Coding change: c.75C>G on transcript NM_032638.5 (MANE Select); coding-DNA position 75, C replaced by G.
Protein change: p.His25Gln; replaces histidine 25 with glutamine.
Molecular consequence: missense variant.
Genome position (GRCh38, 1-based): chr3:128,486,957, G>C on the plus strand (C>G on the coding strand, the complement: GATA2 is on the minus strand). VCF-style: chr3-128486957-G-C. GRCh37 (hg19) VCF-style: chr3-128205800-G-C.
Other names: c.75C>G, p.His25Gln (NM_001145661.2, NM_001145662.1); c.75C>G (NM_032638.4); short protein forms H25Q.
Identifiers: ClinVar variation 1060941 (VCV001060941.10), dbSNP rs1190021538, ClinGen allele CA354409033.

ClinVar aggregate classification (germline): Uncertain significance. Review status: criteria provided, multiple submitters, no conflicts (2 of 4 stars). 3 submissions from 3 submitters: Uncertain significance (3). Last evaluated 2025-12-15.

Conditions:
Inborn genetic diseases. Identifiers: MedGen C0950123, MeSH D030342.
Deafness-lymphedema-leukemia syndrome. Also called: Lymphedema, primary, with myelodysplasia; Emberger syndrome. Identifiers: Orphanet 3226, MedGen C3279664, MONDO:0013540, OMIM 614038.
Monocytopenia with susceptibility to infections. Also called: GATA2 DEFICIENCY; MONOCYTOPENIA AND MYCOBACTERIAL INFECTION SYNDROME; MONOCYTOPENIA WITH SUSCEPTIBILITY TO MYCOBACTERIAL, FUNGAL, AND PAPILLOMAVIRUS INFECTIONS AND MYELODYSPLASIA; COMBINED IMMUNODEFICIENCY WITH SUSCEPTIBILITY TO MYCOBACTERIAL, VIRAL, AND FUNGAL INFECTIONS; Dendritic cell, monocyte, B lymphocyte, and natural killer lymphocyte deficiency; IMMUNODEFICIENCY 21. Identifiers: Orphanet 228423, MedGen C3280030, MONDO:0013607, OMIM 614172.

Allele frequency attached by ClinVar (database versions not stated): gnomAD exomes below 0.00001.
gnomAD v4.1: 1 of 1,612,454 alleles (0.000062%); highest among the groups gnomAD compares: Non-Finnish European, 0.000085%; no homozygotes.

Submissions (3):

Ambry Genetics
Classification: Uncertain significance for Inborn genetic diseases. Last evaluated: 2025-12-15. Review status: criteria provided, single submitter. Criteria: Ambry Variant Classification Scheme 2023. Collection method: clinical testing. Allele origin: germline.

GeneDx
Classification: Uncertain significance. Last evaluated: 2023-12-27. Review status: criteria provided, single submitter. Criteria: GeneDx Variant Classification Process June 2021. Collection method: clinical testing. Allele origin: germline. Affected: yes.
Comment: Not observed at significant frequency in large population cohorts (gnomAD); In silico analysis supports that this missense variant has a deleterious effect on protein structure/function; Has not been previously published as pathogenic or benign to our knowledge

Labcorp Genetics (formerly Invitae), Labcorp
Classification: Uncertain significance for Monocytopenia with susceptibility to infections; Deafness-lymphedema-leukemia syndrome. Last evaluated: 2021-12-04. Review status: criteria provided, single submitter. Criteria: Invitae Variant Classification Sherloc (09022015). Collection method: clinical testing. Allele origin: germline.
Comment: This sequence change replaces histidine, which is basic and polar, with glutamine, which is neutral and polar, at codon 25 of the GATA2 protein (p.His25Gln). This variant is present in population databases (no rsID available, gnomAD 0.0009%). This variant has not been reported in the literature in individuals affected with GATA2-related conditions. ClinVar contains an entry for this variant (Variation ID: 1060941). Algorithms developed to predict the effect of missense changes on protein structure and function are either unavailable or do not agree on the potential impact of this missense change (SIFT: "Tolerated"; PolyPhen-2: "Probably Damaging"; Align-GVGD: "Class C0"). Algorithms developed to predict the effect of sequence changes on RNA splicing suggest that this variant may create or strengthen a splice site. In summary, the available evidence is currently insufficient to determine the role of this variant in disease. Therefore, it has been classified as a Variant of Uncertain Significance.